The following is an entry in ClinVar:

ClinVar aggregate classification (germline): Uncertain significance (1 of 4 stars; one submission).

Conditions:
Rhabdoid tumor predisposition syndrome 2 (RTPS2). Identifiers: Orphanet 231108, Orphanet 69077, MedGen C2750074, MONDO:0013224, OMIM 613325.

Submission:

Labcorp Genetics (formerly Invitae), Labcorp
Classification: Uncertain significance for Rhabdoid tumor predisposition syndrome 2. Last evaluated: 2022-10-12. Review status: criteria provided, single submitter. Criteria: Invitae Variant Classification Sherloc (09022015). Collection method: clinical testing. Allele origin: germline.
Comment: This sequence change replaces glutamic acid, which is acidic and polar, with valine, which is neutral and non-polar, at codon 1310 of the SMARCA4 protein (p.Glu1310Val). In summary, the available evidence is currently insufficient to determine the role of this variant in disease. Therefore, it has been classified as a Variant of Uncertain Significance. Advanced modeling of protein sequence and biophysical properties (such as structural, functional, and spatial information, amino acid conservation, physicochemical variation, residue mobility, and thermodynamic stability) performed at Invitae indicates that this missense variant is expected to disrupt SMARCA4 protein function. This variant has not been reported in the literature in individuals affected with SMARCA4-related conditions. This variant is not present in population databases (gnomAD no frequency).

NM_003072.5(SMARCA4):c.3929A>T (p.Glu1310Val)

Gene: SMARCA4 (SWI/SNF related BAF chromatin remodeling complex subunit ATPase 4; plus strand). Cytogenetic location: 19p13.2.
Variant type: single nucleotide variant.
Coding change: c.3929A>T on transcript NM_003072.5 (MANE Select); coding-DNA position 3929, A replaced by T.
Protein change: p.Glu1310Val; replaces glutamic acid 1310 with valine.
Molecular consequence: missense variant. On other transcripts: non-coding transcript variant (1).
Genome position (GRCh38, 1-based): chr19:11,034,178, A>T. VCF-style: chr19-11034178-A-T. GRCh37 (hg19) VCF-style: chr19-11144854-A-T.
Other names: c.3929A>T, p.Glu1310Val (NM_001128844.3, NM_001128849.3, NM_001387283.1); c.3830A>T, p.Glu1277Val (NM_001128845.2, NM_001128846.2, NM_001128847.4 and 3 more transcripts); short protein forms E1277V, E1310V.
Identifiers: ClinVar variation 1721448 (VCV001721448.5), dbSNP rs2146679247, ClinGen allele CA404067911.